The following is an entry in ClinVar:

NM_000548.5(TSC2):c.3089T>G (p.Met1030Arg)

Gene: TSC2 (TSC complex subunit 2; plus strand). Cytogenetic location: 16p13.3.
Variant type: single nucleotide variant.
Coding change: c.3089T>G on transcript NM_000548.5 (MANE Select); coding-DNA position 3089, T replaced by G.
Protein change: p.Met1030Arg; replaces methionine 1030 with arginine.
Molecular consequence: missense variant.
Genome position (GRCh38, 1-based): chr16:2,079,154, T>G. VCF-style: chr16-2079154-T-G. GRCh37 (hg19) VCF-style: chr16-2129155-T-G.
Other names: c.2957T>G, p.Met986Arg (NM_001077183.3, NM_001370404.1); c.3089T>G, p.Met1030Arg (NM_001114382.3); c.2849T>G, p.Met950Arg (NM_001318827.2); c.2813T>G, p.Met938Arg (NM_001318829.2); c.2357T>G, p.Met786Arg (NM_001318831.2); c.2990T>G, p.Met997Arg (NM_001318832.2); c.2960T>G, p.Met987Arg (NM_001363528.2, NM_001370405.1, NM_021055.3); short protein forms M1030R, M786R, M987R, M997R, M938R, M986R, M950R.
Identifiers: ClinVar variation 586852 (VCV000586852.8), dbSNP rs1567496821, ClinGen allele CA394284667.

ClinVar aggregate classification (germline): Likely pathogenic. Review status: criteria provided, multiple submitters, no conflicts (2 of 4 stars). 2 submissions from 2 submitters: Likely pathogenic (2). Last evaluated 2023-01-28.

Conditions:
Tuberous sclerosis 2 (TSC2). Identifiers: Orphanet 805, MedGen C1860707, MONDO:0013199, OMIM 613254.

Submissions (2):

Labcorp Genetics (formerly Invitae), Labcorp
Classification: Likely pathogenic for Tuberous sclerosis 2. Last evaluated: 2023-01-28. Review status: criteria provided, single submitter. Criteria: Invitae Variant Classification Sherloc (09022015). Collection method: clinical testing. Allele origin: germline.
Comment: This sequence change replaces methionine, which is neutral and non-polar, with arginine, which is basic and polar, at codon 1030 of the TSC2 protein (p.Met1030Arg). This variant is not present in population databases (gnomAD no frequency). This missense change has been observed in individuals with clinical features of tuberous sclerosis complex (PMID: 21520333; Invitae). ClinVar contains an entry for this variant (Variation ID: 586852). Advanced modeling of protein sequence and biophysical properties (such as structural, functional, and spatial information, amino acid conservation, physicochemical variation, residue mobility, and thermodynamic stability) has been performed at Invitae for this missense variant, however the output from this modeling did not meet the statistical confidence thresholds required to predict the impact of this variant on TSC2 protein function. In summary, the currently available evidence indicates that the variant is pathogenic, but additional data are needed to prove that conclusively. Therefore, this variant has been classified as Likely Pathogenic.

Athena Diagnostics
Classification: Likely pathogenic. Last evaluated: 2018-04-13. Review status: criteria provided, single submitter. Criteria: Athena Diagnostics Criteria. Collection method: clinical testing. Allele origin: germline.

Literature cited by the submitters: PubMed 21520333 (cited by Labcorp Genetics (formerly Invitae), Labcorp).